The following is an entry in ClinVar:

ClinVar aggregate classification (germline): Likely benign. Review status: criteria provided, multiple submitters, no conflicts (2 of 4 stars). 4 submissions from 4 submitters: Likely benign (4). Last evaluated 2025-12-31.

Conditions:
Migraine, familial hemiplegic, 1. Also called: MIGRAINE, FAMILIAL HEMIPLEGIC 1, WITH PROGRESSIVE CEREBELLAR ATAXIA. Identifiers: Orphanet 569, MedGen C1832884, MONDO:0020756, OMIM 141500, MONDO:0007714.
Episodic ataxia type 2 (EA2). Also called: ACETAZOLAMIDE-RESPONSIVE HEREDITARY PAROXYSMAL CEREBELLAR ATAXIA; ATAXIA, EPISODIC, WITH NYSTAGMUS; ATAXIA, FAMILIAL PAROXYSMAL; CEREBELLAR ATAXIA, PAROXYSMAL, ACETAZOLAMIDE-RESPONSIVE; CEREBELLOPATHY, HEREDITARY PAROXYSMAL; EPISODIC ATAXIA, NYSTAGMUS-ASSOCIATED. Identifiers: Orphanet 97, MedGen C1720416, MONDO:0007163, OMIM 108500.
Developmental and epileptic encephalopathy, 42 (DEE42A). Also called: Epileptic encephalopathy, early infantile, 42; DEVELOPMENTAL AND EPILEPTIC ENCEPHALOPATHY 42A; EPILEPTIC ENCEPHALOPATHY, EARLY INFANTILE, 42A. Identifiers: MedGen C4310716, MONDO:0014917, OMIM 617106.

Allele frequency attached by ClinVar (database versions not stated): ExAC 0.00001; gnomAD exomes 0.00002; gnomAD 0.00003 and 0.00004; TOPMed 0.00005.
gnomAD v4.1: 27 of 1,580,126 alleles (0.0017%); highest among the groups gnomAD compares: Non-Finnish European, 0.0023%; no homozygotes.

Submissions (4):

Labcorp Genetics (formerly Invitae), Labcorp
Classification: Likely benign for Developmental and epileptic encephalopathy, 42; Episodic ataxia type 2. Last evaluated: 2025-12-31. Review status: criteria provided, single submitter. Criteria: Invitae Variant Classification Sherloc (09022015). Collection method: clinical testing. Allele origin: germline.

Blueprint Genetics
Classification: Likely benign. Last evaluated: 2023-11-10. Review status: criteria provided, single submitter. Criteria: ACMG Guidelines, 2015. Collection method: clinical testing. Allele origin: germline.

Centre for Mendelian Genomics, University Medical Centre Ljubljana
Classification: Likely benign for Migraine, familial hemiplegic, 1. Last evaluated: 2019-07-10. Review status: criteria provided, single submitter. Criteria: ACMG Guidelines, 2015. Collection method: clinical testing. Allele origin: unknown. Affected: yes.
Comment: This variant was classified as: Likely benign. The following ACMG criteria were applied in classifying this variant: BS2,BP4,BP6.

GeneDx
Classification: Likely benign. Last evaluated: 2016-07-28. Review status: criteria provided, single submitter. Criteria: GeneDx Variant Classification (06012015). Collection method: clinical testing. Allele origin: germline. Affected: yes.
Comment: This variant is considered likely benign or benign based on one or more of the following criteria: it is a conservative change, it occurs at a poorly conserved position in the protein, it is predicted to be benign by multiple in silico algorithms, and/or has population frequency not consistent with disease.

NM_001127222.2(CACNA1A):c.3989+11T>C

Genes: CACNA1A (calcium voltage-gated channel subunit alpha1 A; minus strand), LOC126862865 (CDK7 strongly-dependent group 2 enhancer GRCh37_chr19:13385818-13387017; plus strand). Cytogenetic location: 19p13.13.
Variant type: single nucleotide variant.
Coding change: c.3989+11T>C on transcript NM_001127222.2 (MANE Select); 11 bases into the intron after coding-DNA position 3989, T replaced by C.
Molecular consequence: intron variant.
Genome position (GRCh38, 1-based): chr19:13,275,839, A>G on the plus strand (T>C on the coding strand, the complement: CACNA1A is on the minus strand). VCF-style: chr19-13275839-A-G. GRCh37 (hg19) VCF-style: chr19-13386653-A-G.
Other names: c.3992+11T>C (NM_001127221.2, NM_001174080.2); c.4001+11T>C (NM_000068.4, NM_023035.3).
Identifiers: ClinVar variation 388053 (VCV000388053.13), dbSNP rs762686149, ClinGen allele CA9240137.